The following is an entry in ClinVar:

ClinVar aggregate classification (germline): Likely pathogenic. Review status: criteria provided, multiple submitters, no conflicts (2 of 4 stars). 2 submissions from 2 submitters: Likely pathogenic (2). Last evaluated 2024-05-27.

Conditions:
Amyloidosis. Also called: Amyloid deposition. Identifiers: Orphanet 69, MedGen C0002726, MONDO:0019065, HP:0011034.
Amyloidosis, hereditary systemic 1 (AMYLD1). Also called: Familial amyloid polyneuropathy; Transthyretin Amyloidosis; Hereditary oculoleptomeningeal amyloid angiopathy; Familial Transthyretin Amyloidosis; AMYLOID CARDIOMYOPATHY; Isolated Cardiac Amyloidosis. Identifiers: Orphanet 85447, Orphanet 85451, MedGen C2751492, MONDO:0971004, OMIM 105210.

gnomAD v4.1: 2 of 1,614,136 alleles (0.00012%); highest among the groups gnomAD compares: Non-Finnish European, 0.00017%; no homozygotes.

Submissions (2):

Labcorp Genetics (formerly Invitae), Labcorp
Classification: Likely pathogenic for Amyloidosis, hereditary systemic 1. Last evaluated: 2024-05-27. Review status: criteria provided, single submitter. Criteria: Invitae Variant Classification Sherloc (09022015). Collection method: clinical testing. Allele origin: germline.
Comment: This sequence change replaces threonine, which is neutral and polar, with isoleucine, which is neutral and non-polar, at codon 79 of the TTR protein (p.Thr79Ile). This variant is not present in population databases (gnomAD no frequency). This variant has not been reported in the literature in individuals affected with TTR-related conditions. Advanced modeling of protein sequence and biophysical properties (such as structural, functional, and spatial information, amino acid conservation, physicochemical variation, residue mobility, and thermodynamic stability) performed at Invitae indicates that this missense variant is expected to disrupt TTR protein function with a positive predictive value of 95%. This variant disrupts the p.Thr79 amino acid residue in TTR. Other variant(s) that disrupt this residue have been determined to be pathogenic (PMID: 7850982, 23713495, 33739616). This suggests that this residue is clinically significant, and that variants that disrupt this residue are likely to be disease-causing. In summary, the currently available evidence indicates that the variant is pathogenic, but additional data are needed to prove that conclusively. Therefore, this variant has been classified as Likely Pathogenic.

Lildballe Lab, Aarhus University Hospital
Classification: Likely pathogenic for Amyloidosis. Last evaluated: 2024-03-01. Review status: criteria provided, single submitter. Criteria: ACMG Guidelines, 2015. Collection method: research. Allele origin: germline. Affected: yes.
Comment: PM1(m) PP2(sup) PM2 (sup) PM5(m)

Literature cited by the submitters: PubMed 7850982 (cited by Labcorp Genetics (formerly Invitae), Labcorp); PubMed 23713495 (cited by Labcorp Genetics (formerly Invitae), Labcorp); PubMed 33739616 (cited by Labcorp Genetics (formerly Invitae), Labcorp); PubMed 25741955 (cited by Lildballe Lab, Aarhus University Hospital); PubMed 39481677 (cited by Lildballe Lab, Aarhus University Hospital).

NM_000371.4(TTR):c.236C>T (p.Thr79Ile)

Gene: TTR (transthyretin; plus strand). Cytogenetic location: 18q12.1.
Variant type: single nucleotide variant.
Coding change: c.236C>T on transcript NM_000371.4 (MANE Select); coding-DNA position 236, C replaced by T.
Protein change: p.Thr79Ile; replaces threonine 79 with isoleucine.
Molecular consequence: missense variant.
Genome position (GRCh38, 1-based): chr18:31,595,155, C>T. VCF-style: chr18-31595155-C-T. GRCh37 (hg19) VCF-style: chr18-29175118-C-T.
Other names: short protein forms T79I.
Identifiers: ClinVar variation 3338365 (VCV003338365.3).